The following is an entry in ClinVar:

NM_024422.6(DSC2):c.83C>A (p.Ala28Asp)

Gene: DSC2 (desmocollin 2; minus strand). Cytogenetic location: 18q12.1.
Variant type: single nucleotide variant.
Coding change: c.83C>A on transcript NM_024422.6 (MANE Select); coding-DNA position 83, C replaced by A.
Protein change: p.Ala28Asp; replaces alanine 28 with aspartic acid.
Molecular consequence: missense variant.
Genome position (GRCh38, 1-based): chr18:31,093,630, G>T on the plus strand (C>A on the coding strand, the complement: DSC2 is on the minus strand). VCF-style: chr18-31093630-G-T. GRCh37 (hg19) VCF-style: chr18-28673593-G-T.
Other names: c.-347C>A (NM_001406506.1, NM_001406507.1); c.83C>A, p.Ala28Asp (NM_004949.5); short protein forms A28D.
Identifiers: ClinVar variation 1763235 (VCV001763235.2), dbSNP rs865966331, ClinGen allele CA402115161.

ClinVar aggregate classification (germline): Uncertain significance (1 of 4 stars; one submission).

Conditions:
Cardiovascular phenotype. Identifiers: MedGen CN230736.

Submission:

Ambry Genetics
Classification: Uncertain significance for Cardiovascular phenotype. Last evaluated: 2020-07-06. Review status: criteria provided, single submitter. Criteria: Ambry Variant Classification Scheme 2023. Collection method: clinical testing. Allele origin: germline.
Comment: The p.A28D variant (also known as c.83C>A), located in coding exon 2 of the DSC2 gene, results from a C to A substitution at nucleotide position 83. The alanine at codon 28 is replaced by aspartic acid, an amino acid with dissimilar properties. This amino acid position is not well conserved in available vertebrate species. In addition, this alteration is predicted to be tolerated by in silico analysis. Since supporting evidence is limited at this time, the clinical significance of this alteration remains unclear.